The following is an entry in ClinVar:

ClinVar aggregate classification (germline): Benign (1 of 4 stars; one submission).

Submission:

CeGaT Center for Human Genetics Tuebingen
Classification: Benign. Last evaluated: 2026-04-01. Review status: criteria provided, single submitter. Criteria: CeGaT Center For Human Genetics Tuebingen Variant Classification Criteria Version 2. Collection method: clinical testing. Allele origin: germline. Affected: yes. Observed: 4 variant alleles.
Comment: MIR17HG: BS1, BS2

NC_000013.11:g.91354594G>C

Variant type: single nucleotide variant.
Genome position: GRCh38 VCF-style: chr13-91354594-G-C. GRCh37 (hg19) VCF-style: chr13-92006848-G-C.
Identifiers: ClinVar variation 3388865 (VCV003388865.14).